The following is an entry in ClinVar:

ClinVar aggregate classification (germline): Uncertain significance (0 of 4 stars; one submission).

Conditions:
PCNT-related disorder. Also called: PCNT-related condition.

Submission:

PreventionGenetics, part of Exact Sciences
Classification: Uncertain significance for PCNT-related condition. Last evaluated: 2024-02-02. Review status: no assertion criteria provided. Collection method: clinical testing. Allele origin: germline.
Comment: The PCNT c.8974_8982dup9 variant is predicted to result in an in-frame duplication (p.Phe2992_Ser2994dup). To our knowledge, this variant has not been reported in the literature. This variant is reported in 0.0033% of alleles in individuals of South Asian descent in gnomAD. At this time, the clinical significance of this variant is uncertain due to the absence of conclusive functional and genetic evidence.

NM_006031.6(PCNT):c.8974_8982dup (p.Ser2994_Gln2995insPheThrSer)

Gene: PCNT (pericentrin; plus strand). Cytogenetic location: 21q22.3.
Variant type: Duplication.
Coding change: c.8974_8982dup on transcript NM_006031.6 (MANE Select); coding-DNA positions 8974 to 8982, 9 bases duplicated (TTCACCAGC; older notation c.8974_8982dupTTCACCAGC).
Protein change: p.Ser2994_Gln2995insPheThrSer.
Molecular consequence: inframe insertion.
Genome position (GRCh38, 1-based): chr21:46,436,126-46,436,134, TTCACCAGC duplicated; duplicating any 9 consecutive bases within chr21:46,436,118-46,436,134 gives the same sequence; the c. name uses the placement nearest the transcript's 3' end. VCF-style (leftmost placement, unchanged base first): chr21-46436117-C-CTCACCAGCT. GRCh37 (hg19) VCF-style: chr21-47856030-C-CTCACCAGCT.
Other names: c.8383_8391dup, p.Ser2797_Gln2798insPheThrSer (NM_001315529.2).
Identifiers: ClinVar variation 3357684 (VCV003357684.1).
Genomic context (GRCh38, chr21:46,436,117, plus strand): 5'-CGGGAACAGCAGCGAGAGCTGGAGGCGATGAGGCAGCGGCTGCTCTCTGCCGCCCGGCTT[C>CTCACCAGCT]TCACCAGCTTCACCAGCCAGGCCGTGGACAGGTGTGCACCCACGCCACCTGGCGCTCACT-3'